The following is an entry in ClinVar:

ClinVar aggregate classification (germline): Conflicting classifications of pathogenicity. Review status: criteria provided, conflicting classifications (1 of 4 stars). 2 submissions from 2 submitters: Pathogenic (1); Uncertain significance (1). Last evaluated 2025-10-15.

Conditions:
Rotor syndrome (HBLRR). Also called: HYPERBILIRUBINEMIA, ROTOR TYPE; HYPERBILIRUBINEMIA, ROTOR TYPE, DIGENIC. Identifiers: Orphanet 3111, MedGen C0220991, MONDO:0009379, OMIM 237450.
SLCO1B3-related disorder. Also called: SLCO1B3-related condition.

Allele frequency attached by ClinVar (database versions not stated): gnomAD exomes below 0.00001 and 0.00003; ExAC 0.00003; gnomAD 0.00011 and 0.00012; 1000 Genomes Project 30x 0.00016; TOPMed 0.00018; 1000 Genomes Project 0.00020; ESP Exome Variant Server 0.00031.

Submissions (2):

PreventionGenetics, part of Exact Sciences
Classification: Uncertain significance for SLCO1B3-related condition. Last evaluated: 2025-10-15. Review status: criteria provided, single submitter. Criteria: ACMG Guidelines, 2015. Collection method: clinical testing. Allele origin: germline.
Comment: The SLCO1B3 c.971-2A>G variant is predicted to disrupt the AG splice acceptor site and interfere with normal splicing. However, a splicing defect at this consensus site is predicted to result in an in-frame deletion of exon 10. To our knowledge, this variant has not been reported in the literature. This variant is reported in 0.036% of alleles in individuals of African descent in gnomAD. At this time, the clinical significance of this variant is uncertain due to the absence of conclusive functional and genetic evidence.

ARUP Laboratories, Molecular Genetics and Genomics, ARUP Laboratories
Classification: Pathogenic for Rotor syndrome. Last evaluated: 2022-04-06. Review status: criteria provided, single submitter. Criteria: ARUP Molecular Germline Variant Investigation Process 2021. Collection method: clinical testing. Allele origin: germline.
Comment: The SLCO1B3 c.971-2A>G variant (rs140033394), to our knowledge, is not reported in the medical literature but is reported in ClinVar (Variation ID: 632183). This variant is found predominantly in the African/African-American population with an allele frequency of 0.036% (7/19,458 alleles) in the Genome Aggregation Database. This variant disrupts the canonical splice acceptor site of intron 9, which is likely to negatively impact gene function. Based on available information, this variant is considered to be pathogenic.

NM_019844.4(SLCO1B3):c.971-2A>G

Genes: SLCO1B3 (solute carrier organic anion transporter family member 1B3; plus strand), SLCO1B3-SLCO1B7 (SLCO1B3-SLCO1B7 readthrough; plus strand). Cytogenetic location: 12p12.2.
Variant type: single nucleotide variant.
Coding change: c.971-2A>G on transcript NM_019844.4 (MANE Select); the canonical splice acceptor site of the intron before coding-DNA position 971, A replaced by G.
Molecular consequence: splice acceptor variant.
Genome position (GRCh38, 1-based): chr12:20,877,770, A>G. VCF-style: chr12-20877770-A-G. GRCh37 (hg19) VCF-style: chr12-21030704-A-G.
Other names: c.887-2A>G (NM_001349920.2); c.971-2A>G (NM_001371097.1).
Identifiers: ClinVar variation 632183 (VCV000632183.8), dbSNP rs140033394, ClinGen allele CA6475411.